The following is an entry in ClinVar:

NM_000057.4(BLM):c.3727dup (p.Thr1243fs)

Gene: BLM (BLM RecQ like helicase; plus strand). Cytogenetic location: 15q26.1.
Variant type: Duplication.
Coding change: c.3727dup on transcript NM_000057.4 (MANE Select); coding-DNA position 3727, one base duplicated (A; older notation c.3727dupA).
Protein change: p.Thr1243fs; shifts the reading frame from threonine 1243.
Molecular consequence: frameshift variant. On other transcripts: intron variant (1).
Genome position (GRCh38, 1-based): chr15:90,804,335, A duplicated. VCF-style (leftmost placement, unchanged base first): chr15-90804334-T-TA. GRCh37 (hg19) VCF-style: chr15-91347564-T-TA.
Other names: c.3727_3728dup (LRG_20t1); c.3727dup, p.Thr1243fs (NM_001287246.2); c.2602dup, p.Thr868fs (NM_001287248.2); c.3359-4802dup (NM_001287247.2); c.3727dupA (NM_000057.2); c.3727dup (NM_000057.2); short protein forms T868fs, T1243fs.
Identifiers: ClinVar variation 42088 (VCV000042088.17), dbSNP rs367543021, ClinGen allele CA344537.

ClinVar aggregate classification (germline): Pathogenic. Review status: criteria provided, multiple submitters, no conflicts (2 of 4 stars). 5 submissions from 5 submitters: Pathogenic (4). 1 of the submissions does not count toward it. Last evaluated 2024-04-09.

Conditions:
Hereditary cancer-predisposing syndrome. Also called: Hereditary neoplastic syndrome; Neoplastic Syndromes, Hereditary; Hereditary Cancer Syndrome; Tumor predisposition. Identifiers: Orphanet 140162, MedGen C0027672, MeSH D009386, MONDO:0015356.
Bloom syndrome (BLM). Also called: Bloom-Torre-Machacek syndrome. Identifiers: Orphanet 125, MedGen C0005859, MONDO:0008876, OMIM 210900.

Allele frequency attached by ClinVar (database versions not stated): gnomAD exomes below 0.00001; TOPMed below 0.00001; gnomAD 0.00001.

Submissions (5):

Fulgent Genetics
Classification: Pathogenic for Bloom syndrome. Last evaluated: 2024-04-09. Review status: criteria provided, single submitter. Criteria: ACMG Guidelines, 2015. Collection method: clinical testing. Allele origin: germline.

GeneDx
Classification: Pathogenic. Last evaluated: 2023-05-10. Review status: criteria provided, single submitter. Criteria: GeneDx Variant Classification Process June 2021. Collection method: clinical testing. Allele origin: germline. Affected: yes.
Comment: Frameshift variant predicted to result in protein truncation or nonsense mediated decay in a gene for which loss of function is a known mechanism of disease; Not observed at significant frequency in large population cohorts (gnomAD); This variant is associated with the following publications: (PMID: 17407155)

Ambry Genetics
Classification: Pathogenic for Hereditary cancer-predisposing syndrome. Last evaluated: 2023-01-11. Review status: criteria provided, single submitter. Criteria: Ambry Variant Classification Scheme 2023. Collection method: clinical testing. Allele origin: germline.
Comment: The c.3727dupA pathogenic mutation, located in coding exon 18 of the BLM gene, results from a duplication of A at nucleotide position 3727, causing a translational frameshift with a predicted alternate stop codon (p.T1243Nfs*14). This variant has been identified in the homozygous state in an individual diagnosed with Bloom syndrome (German J et al. Hum Mutat, 2007 Aug;28:743-53). This variant is considered to be rare based on population cohorts in the Genome Aggregation Database (gnomAD). In addition to the clinical data presented in the literature, this alteration is expected to result in loss of function by premature protein truncation or nonsense-mediated mRNA decay. As such, this alteration is interpreted as a disease-causing mutation.

Labcorp Genetics (formerly Invitae), Labcorp
Classification: Pathogenic for Bloom syndrome. Last evaluated: 2022-07-12. Review status: criteria provided, single submitter. Criteria: Invitae Variant Classification Sherloc (09022015). Collection method: clinical testing. Allele origin: germline.
Comment: This variant is also known as c.3727_3728dupA. This sequence change creates a premature translational stop signal (p.Thr1243Asnfs*14) in the BLM gene. It is expected to result in an absent or disrupted protein product. Loss-of-function variants in BLM are known to be pathogenic (PMID: 17407155). This variant is present in population databases (rs367543021, gnomAD 0.0009%). This premature translational stop signal has been observed in individual(s) with Bloom syndrome (PMID: 17407155). ClinVar contains an entry for this variant (Variation ID: 42088). For these reasons, this variant has been classified as Pathogenic.

Natera, Inc.
Classification: Pathogenic for Bloom syndrome. Last evaluated: 2017-03-16. Review status: no assertion criteria provided. Collection method: clinical testing. Allele origin: germline. Not counted in ClinVar's aggregate classification.

Literature cited by the submitters: PubMed 17407155 (cited by Ambry Genetics and Labcorp Genetics (formerly Invitae), Labcorp).